The following is an entry in ClinVar:

NM_014053.4(FLVCR1):c.*3264T>C

Gene: FLVCR1 (FLVCR choline and heme transporter 1; plus strand). Cytogenetic location: 1q32.3.
Variant type: single nucleotide variant.
Coding change: c.*3264T>C on transcript NM_014053.4 (MANE Select); 3264 bases downstream of the stop codon, T replaced by C.
Molecular consequence: 3 prime UTR variant.
Genome position (GRCh38, 1-based): chr1:212,898,554, T>C. VCF-style: chr1-212898554-T-C. GRCh37 (hg19) VCF-style: chr1-213071896-T-C.
Identifiers: ClinVar variation 295399 (VCV000295399.5), dbSNP rs374214375, ClinGen allele CA10609098.
Genomic context (GRCh38, chr1:212,898,554, plus strand): 5'-TTACACATAAAATTTAGAATACTTTATTTCTGAAAAGCATATACATATATGTTATGTTTA[T>C]TTTTCCTTGTTGATTAGAAAGGTGATGGAATATGTGACAATGCAAAATGAATTGATAATT-3'

ClinVar aggregate classification (germline): Benign (1 of 4 stars; one submission).

Conditions:
Posterior column ataxia-retinitis pigmentosa syndrome (RETSNS). Also called: RETINOPATHY-SENSORY NEUROPATHY SYNDROME. Identifiers: Orphanet 88628, MedGen C1836916, MONDO:0012177, OMIM 609033.

Allele frequency attached by ClinVar (database versions not stated): TOPMed 0.00016; 1000 Genomes Project 30x 0.00390; gnomAD 0.00005 and 0.00067; 1000 Genomes Project 0.00339.

Submission:

Illumina Laboratory Services, Illumina
Classification: Benign for Posterior column ataxia-retinitis pigmentosa syndrome. Last evaluated: 2018-01-13. Review status: criteria provided, single submitter. Criteria: ICSL Variant Classification Criteria 13 December 2019. Collection method: clinical testing. Allele origin: germline.
Comment: This variant was observed in the ICSL laboratory as part of a predisposition screen in an ostensibly healthy population. It had not been previously curated by ICSL or reported in the Human Gene Mutation Database (HGMD: prior to June 1st, 2018), and was therefore a candidate for classification through an automated scoring system. Utilizing variant allele frequency, disease prevalence and penetrance estimates, and inheritance mode, an automated score was calculated to assess if this variant is too frequent to cause the disease. Based on the score and internal cut-off values, a variant classified as benign is not then subjected to further curation. The score for this variant resulted in a classification of benign for this disease.